The following is an entry in ClinVar:

NM_024649.5(BBS1):c.1696-10T>G

Genes: ZDHHC24 (zDHHC palmitoyltransferase 24; minus strand), BBS1 (Bardet-Biedl syndrome 1; plus strand). Cytogenetic location: 11q13.2.
Variant type: single nucleotide variant.
Coding change: c.1696-10T>G on transcript NM_024649.5 (MANE Select); 10 bases into the intron before coding-DNA position 1696, T replaced by G.
Molecular consequence: intron variant.
Genome position (GRCh38, 1-based): chr11:66,531,941, T>G. VCF-style: chr11-66531941-T-G. GRCh37 (hg19) VCF-style: chr11-66299412-T-G.
Other names: c.560-2453A>C (NM_001348571.2).
Identifiers: ClinVar variation 2113354 (VCV002113354.4), dbSNP rs750944245, ClinGen allele CA2580084830.

ClinVar aggregate classification (germline): Uncertain significance (1 of 4 stars; one submission).

Conditions:
Bardet-Biedl syndrome (BBS). Identifiers: Orphanet 110, MedGen C0752166, MONDO:0015229.

Submission:

Labcorp Genetics (formerly Invitae), Labcorp
Classification: Uncertain significance for Bardet-Biedl syndrome. Last evaluated: 2022-03-17. Review status: criteria provided, single submitter. Criteria: Invitae Variant Classification Sherloc (09022015). Collection method: clinical testing. Allele origin: germline.
Comment: This variant has not been reported in the literature in individuals affected with BBS1-related conditions. In summary, the available evidence is currently insufficient to determine the role of this variant in disease. Therefore, it has been classified as a Variant of Uncertain Significance. Algorithms developed to predict the effect of sequence changes on RNA splicing suggest that this variant may disrupt the consensus splice site. This variant is not present in population databases (gnomAD no frequency). This sequence change falls in intron 16 of the BBS1 gene. It does not directly change the encoded amino acid sequence of the BBS1 protein.